The following is an entry in ClinVar:

NM_197968.4(ZMYM2):c.3454-4A>C

Gene: ZMYM2 (zinc finger MYM-type containing 2; plus strand). Cytogenetic location: 13q12.11.
Variant type: single nucleotide variant.
Coding change: c.3454-4A>C on transcript NM_197968.4 (MANE Select); 4 bases into the intron before coding-DNA position 3454, A replaced by C.
Molecular consequence: intron variant.
Genome position (GRCh38, 1-based): chr13:20,082,012, A>C. VCF-style: chr13-20082012-A-C. GRCh37 (hg19) VCF-style: chr13-20656152-A-C.
Other names: c.3193-4A>C (NM_001353163.2); c.3454-4A>C (NM_001353157.2, NM_001353164.2, NM_001353159.2 and 4 more transcripts); c.3259-4A>C (NM_001353161.3).
Identifiers: ClinVar variation 3348210 (VCV003348210.1).

ClinVar aggregate classification (germline): Likely benign (0 of 4 stars; one submission).

Conditions:
ZMYM2-related disorder. Also called: ZMYM2-related condition.

Submission:

PreventionGenetics, part of Exact Sciences
Classification: Likely benign for ZMYM2-related condition. Last evaluated: 2024-06-24. Review status: no assertion criteria provided. Collection method: clinical testing. Allele origin: germline.
Comment: This variant is classified as likely benign based on ACMG/AMP sequence variant interpretation guidelines (Richards et al. 2015 PMID: 25741868, with internal and published modifications).